The following is an entry in ClinVar:

NM_020435.4(GJC2):c.295G>A (p.Val99Met)

Gene: GJC2 (gap junction protein gamma 2; plus strand). Cytogenetic location: 1q42.13.
Variant type: single nucleotide variant.
Coding change: c.295G>A on transcript NM_020435.4 (MANE Select); coding-DNA position 295, G replaced by A.
Protein change: p.Val99Met; replaces valine 99 with methionine.
Molecular consequence: missense variant.
Genome position (GRCh38, 1-based): chr1:228,158,053, G>A. VCF-style: chr1-228158053-G-A. GRCh37 (hg19) VCF-style: chr1-228345754-G-A.
Other names: c.295G>A (NM_020435.3); short protein forms V99M.
Identifiers: ClinVar variation 1409692 (VCV001409692.8), dbSNP rs754971409, ClinGen allele CA1430835.
Genomic context (GRCh38, chr1:228,158,053, plus strand): 5'-TTCTGGGTCTTCCAGATTGTGGTCATCTCCACGCCCTCGGTCATGTACCTGGGCTACGCC[G>A]TGCACCGCCTGGCCCGTGCGTCTGAGCAGGAGCGGCGCCGCGCCCTCCGCCGCCGCCCGG-3'
Protein context (NP_065168.2, residues 89-109): TPSVMYLGYA[Val99Met]HRLARASEQE

ClinVar aggregate classification (germline): Uncertain significance. Review status: criteria provided, multiple submitters, no conflicts (2 of 4 stars). 3 submissions from 3 submitters: Uncertain significance (3). Last evaluated 2025-09-05.

Conditions:
Spastic paraplegia. Identifiers: MedGen C0037772, HP:0001258.
Inborn genetic diseases. Identifiers: MedGen C0950123, MeSH D030342.

Allele frequency attached by ClinVar (database versions not stated): TOPMed 0.00001; gnomAD exomes 0.00002; ExAC 0.00004.
gnomAD v4.1: 4 of 1,607,200 alleles (0.00025%); highest among the groups gnomAD compares: Non-Finnish European, 0.00034%; no homozygotes.

Submissions (3):

Labcorp Genetics (formerly Invitae), Labcorp
Classification: Uncertain significance for Spastic paraplegia. Last evaluated: 2025-09-05. Review status: criteria provided, single submitter. Criteria: Invitae Variant Classification Sherloc (09022015). Collection method: clinical testing. Allele origin: germline.
Comment: This sequence change replaces valine, which is neutral and non-polar, with methionine, which is neutral and non-polar, at codon 99 of the GJC2 protein (p.Val99Met). The frequency data for this variant in the population databases is considered unreliable, as metrics indicate poor data quality at this position in the gnomAD database. This variant has not been reported in the literature in individuals affected with GJC2-related conditions. ClinVar contains an entry for this variant (Variation ID: 1409692). Invitae Evidence Modeling of protein sequence and biophysical properties (such as structural, functional, and spatial information, amino acid conservation, physicochemical variation, residue mobility, and thermodynamic stability) indicates that this missense variant is not expected to disrupt GJC2 protein function with a negative predictive value of 95%. In summary, the available evidence is currently insufficient to determine the role of this variant in disease. Therefore, it has been classified as a Variant of Uncertain Significance.

Ambry Genetics
Classification: Uncertain significance for Inborn genetic diseases. Last evaluated: 2025-04-07. Review status: criteria provided, single submitter. Criteria: Ambry Variant Classification Scheme 2023. Collection method: clinical testing. Allele origin: germline.

Blueprint Genetics
Classification: Uncertain significance. Last evaluated: 2022-07-27. Review status: criteria provided, single submitter. Criteria: ACMG Guidelines, 2015. Collection method: clinical testing. Allele origin: germline.